The following is an entry in ClinVar:

NM_019892.6(INPP5E):c.91C>T (p.Pro31Ser)

Gene: INPP5E (inositol polyphosphate-5-phosphatase E; minus strand). Cytogenetic location: 9q34.3.
Variant type: single nucleotide variant.
Coding change: c.91C>T on transcript NM_019892.6 (MANE Select); coding-DNA position 91, C replaced by T.
Protein change: p.Pro31Ser; replaces proline 31 with serine.
Molecular consequence: missense variant.
Genome position (GRCh38, 1-based): chr9:136,439,329, G>A on the plus strand (C>T on the coding strand, the complement: INPP5E is on the minus strand). VCF-style: chr9-136439329-G-A. GRCh37 (hg19) VCF-style: chr9-139333781-G-A.
Other names: c.91C>T, p.Pro31Ser (NM_001318502.2); short protein forms P31S.
Identifiers: ClinVar variation 5002566 (VCV005002566.1).

ClinVar aggregate classification (germline): Uncertain significance (1 of 4 stars; one submission).

Conditions:
INPP5E-related disorder. Also called: INPP5E-related condition.

Submission:

PreventionGenetics, part of Exact Sciences
Classification: Uncertain significance for INPP5E-related condition. Last evaluated: 2025-03-20. Review status: criteria provided, single submitter. Criteria: ACMG Guidelines, 2015. Collection method: clinical testing. Allele origin: germline.
Comment: The INPP5E c.91C>T variant is predicted to result in the amino acid substitution p.Pro31Ser. To our knowledge, this variant has not been reported in the literature or in a large population database (gnomAD), indicating this variant is rare. At this time, the clinical significance of this variant is uncertain due to the absence of conclusive functional and genetic evidence.